The following is an entry in ClinVar:

NC_000001.10:g.(?_10535024)_(10687440_?)del

Gene: PEX14 (peroxisomal biogenesis factor 14; plus strand). Cytogenetic location: 1p36.22.
Variant type: Deletion.
Identifiers: ClinVar variation 2425165 (VCV002425165.4).

ClinVar aggregate classification (germline): Pathogenic (1 of 4 stars; one submission).

Conditions:
Peroxisome biogenesis disorder, complementation group K (CGK). Identifiers: MedGen C1866257, MONDO:0800365.

Submission:

Labcorp Genetics (formerly Invitae), Labcorp
Classification: Pathogenic for Peroxisome biogenesis disorder, complementation group K. Last evaluated: 2022-02-08. Review status: criteria provided, single submitter. Criteria: Invitae Variant Classification Sherloc (09022015). Collection method: clinical testing. Allele origin: germline.
Comment: For these reasons, this variant has been classified as Pathogenic. This variant has not been reported in the literature in individuals affected with PEX14-related conditions. This variant is a gross deletion of the genomic region encompassing exon(s) 1-8 of the PEX14 gene, which includes the initiator codon. This deletion extends beyond the assayed region for this gene and therefore may encompass additional genes. It is expected to result in an absent or disrupted protein product. Loss-of-function variants in PEX14 are known to be pathogenic (PMID: 15146459, 18285423, 26627464).

Literature cited by the submitters: PubMed 15146459; PubMed 18285423; PubMed 26627464.